The following is an entry in ClinVar:

NM_006545.5(NPRL2):c.214G>T (p.Glu72Ter)

Gene: NPRL2 (NPR2 like, GATOR1 complex subunit; minus strand). Cytogenetic location: 3p21.31.
Variant type: single nucleotide variant.
Coding change: c.214G>T on transcript NM_006545.5 (MANE Select); coding-DNA position 214, G replaced by T.
Protein change: p.Glu72Ter; replaces glutamic acid 72 with a stop codon.
Molecular consequence: nonsense.
Genome position (GRCh38, 1-based): chr3:50,349,790, C>A on the plus strand (G>T on the coding strand, the complement: NPRL2 is on the minus strand). VCF-style: chr3-50349790-C-A. GRCh37 (hg19) VCF-style: chr3-50387221-C-A.
Other names: c.214G>T (NM_006545.4); short protein forms E72*.
Identifiers: ClinVar variation 4879710 (VCV004879710.4).

ClinVar aggregate classification (germline): Pathogenic/Likely pathogenic. Review status: criteria provided, multiple submitters, no conflicts (2 of 4 stars). 4 submissions from 4 submitters: Pathogenic (2); Likely pathogenic (2). Last evaluated 2026-02-18.

Conditions:
Epilepsy, familial focal, with variable foci 2 (FFEVF2). Identifiers: MedGen C4310709, MONDO:0014924, OMIM 617116.
NPRL2-related disorder. Also called: NPRL2-related condition.

gnomAD v4.1: 6 of 1,613,826 alleles (0.00037%); highest among the groups gnomAD compares: Non-Finnish European, 0.00051%; no homozygotes.

Submissions (4):

Victorian Clinical Genetics Services, Murdoch Childrens Research Institute
Classification: Pathogenic for Epilepsy, familial focal, with variable foci 2. Last evaluated: 2026-02-18. Review status: criteria provided, single submitter. Criteria: ACMG Guidelines, 2015. Collection method: clinical testing. Allele origin: germline.
Comment: This variant is classified as Pathogenic. Evidence in support of pathogenic classification: Variant is predicted to cause nonsense-mediated decay (NMD) and loss of protein (premature termination codon is located at least 54 nucleotides upstream of the final exon-exon junction); Variant is present in gnomAD <0.001 for a dominant condition (v4: 6 heterozygote(s), 0 homozygote(s)); Other NMD-predicted variant(s) comparable to the one identified in this case have very strong previous evidence for pathogenicity (DECIPHER). Additional information: This gene is associated with autosomal dominant disease; Loss of function is a known mechanism of disease in this gene and is associated with epilepsy, familial focal, with variable foci 2 (MIM#617116); The condition associated with this gene has incomplete penetrance (OMIM; PMID: 27173016); Variants in this gene are known to have variable expressivity, including phenotypical intrafamilial variability (PMID: 27173016).

PreventionGenetics, part of Exact Sciences
Classification: Likely pathogenic for NPRL2-related condition. Last evaluated: 2025-04-16. Review status: criteria provided, single submitter. Criteria: ACMG Guidelines, 2015. Collection method: clinical testing. Allele origin: germline.
Comment: The NPRL2 c.214G>T variant is predicted to result in premature protein termination (p.Glu72*). To our knowledge, this variant has not been reported in the literature or in a large population database (gnomAD), indicating this variant is rare. Nonsense variants in NPRL2 are expected to be pathogenic. This variant is interpreted as likely pathogenic.

Blueprint Genetics
Classification: Pathogenic for NPRL2-related disorders. Last evaluated: 2024-09-03. Review status: criteria provided, single submitter. Criteria: ACMG Guidelines, 2015. Collection method: clinical testing. Allele origin: germline. Affected: yes. Observed: 2 variant alleles.

Solve-RD Consortium
Classification: Likely pathogenic for Epilepsy, familial focal, with variable foci 2. Review status: criteria provided, single submitter. Criteria: ACMG Guidelines, 2015. Collection method: provider interpretation. Allele origin: germline. Inheritance: Autosomal dominant inheritance. Affected: yes. Study: Solve-RD DIFT-EpiCARE reanalysis.
Comment: PVS1, PM2

Variant identified during reanalysis of unsolved cases by the Solve-RD project. The Solve-RD project has received funding from the European Union’s Horizon 2020 research and innovation programme under grant agreement No 779257.

Literature cited by the submitters: PubMed 27173016 (cited by Victorian Clinical Genetics Services, Murdoch Childrens Research Institute).